The following is an entry in ClinVar:

ClinVar aggregate classification (germline): Pathogenic (1 of 4 stars; one submission).

Conditions:
Joubert syndrome. Also called: CEREBELLOPARENCHYMAL DISORDER IV; JOUBERT-BOLTSHAUSER SYNDROME; Familial aplasia of the vermis. Identifiers: Orphanet 475, MedGen C5979921, MONDO:0018772.

Submission:

Labcorp Genetics (formerly Invitae), Labcorp
Classification: Pathogenic for Joubert syndrome. Last evaluated: 2023-04-09. Review status: criteria provided, single submitter. Criteria: Invitae Variant Classification Sherloc (09022015). Collection method: clinical testing. Allele origin: germline.
Comment: For these reasons, this variant has been classified as Pathogenic. ClinVar contains an entry for this variant (Variation ID: 2032908). This variant has not been reported in the literature in individuals affected with INPP5E-related conditions. This variant is not present in population databases (gnomAD no frequency). This sequence change creates a premature translational stop signal (p.His368Profs*26) in the INPP5E gene. It is expected to result in an absent or disrupted protein product. Loss-of-function variants in INPP5E are known to be pathogenic (PMID: 19668216, 23034536, 23386033, 28125082).

Literature cited by the submitters: PubMed 19668216; PubMed 23034536; PubMed 23386033; PubMed 28125082.

NM_019892.6(INPP5E):c.1103del (p.His368fs)

Gene: INPP5E (inositol polyphosphate-5-phosphatase E; minus strand). Cytogenetic location: 9q34.3.
Variant type: Deletion.
Coding change: c.1103del on transcript NM_019892.6 (MANE Select); coding-DNA position 1103, one base deleted (A; older notation c.1103delA).
Protein change: p.His368fs; shifts the reading frame from histidine 368.
Molecular consequence: frameshift variant.
Genome position (GRCh38, 1-based): chr9:136,433,211, T deleted on the plus strand (A on the coding strand, the reverse complement: INPP5E is on the minus strand). VCF-style (leftmost placement, unchanged base first): chr9-136433210-GT-G. GRCh37 (hg19) VCF-style: chr9-139327662-GT-G.
Other names: c.1103del, p.His368fs (NM_001318502.2); short protein forms H368fs.
Identifiers: ClinVar variation 2032908 (VCV002032908.4), dbSNP rs2538878393, ClinGen allele CA2580081263.